The following is an entry in ClinVar:

NM_003872.3(NRP2):c.2425+9532G>A

Gene: NRP2 (neuropilin 2; plus strand). Cytogenetic location: 2q33.3.
Variant type: single nucleotide variant.
Coding change: c.2425+9532G>A on transcript NM_003872.3 (MANE Select); 9532 bases into the intron after coding-DNA position 2425, G replaced by A.
Molecular consequence: intron variant. On other transcripts: missense variant (2).
Genome position (GRCh38, 1-based): chr2:205,776,335, G>A. VCF-style: chr2-205776335-G-A. GRCh37 (hg19) VCF-style: chr2-206641059-G-A.
Other names: c.2530G>A, p.Gly844Arg (NM_018534.4); c.2515G>A, p.Gly839Arg (NM_201267.2); c.2440+9517G>A (NM_201266.2); c.2425+9532G>A (NM_201279.2); short protein forms G839R, G844R.
Identifiers: ClinVar variation 3351568 (VCV003351568.1).

ClinVar aggregate classification (germline): Uncertain significance (0 of 4 stars; one submission).

Conditions:
NRP2-related disorder. Also called: NRP2-related condition.

gnomAD v4.1: 12 of 1,612,664 alleles (0.00074%); highest among the groups gnomAD compares: Admixed American, 0.015%; no homozygotes.

Submission:

PreventionGenetics, part of Exact Sciences
Classification: Uncertain significance for NRP2-related condition. Last evaluated: 2024-06-06. Review status: no assertion criteria provided. Collection method: clinical testing. Allele origin: germline.
Comment: The NRP2 c.2515G>A variant is predicted to result in the amino acid substitution p.Gly839Arg. To our knowledge, this variant has not been reported in the literature. This variant is reported in 0.026% of alleles in individuals of Latino descent in gnomAD. At this time, the clinical significance of this variant is uncertain due to the absence of conclusive functional and genetic evidence.